The following is an entry in ClinVar:

ClinVar aggregate classification (germline): Uncertain significance (1 of 4 stars; one submission).

gnomAD v4.1: 2 of 1,613,924 alleles (0.00012%); highest among the groups gnomAD compares: East Asian, 0.0022%; no homozygotes.

Submission:

Labcorp Genetics (formerly Invitae), Labcorp
Classification: Uncertain significance. Last evaluated: 2022-03-12. Review status: criteria provided, single submitter. Criteria: Invitae Variant Classification Sherloc (09022015). Collection method: clinical testing. Allele origin: germline.
Comment: Algorithms developed to predict the effect of missense changes on protein structure and function output the following: SIFT: "Tolerated"; PolyPhen-2: "Benign"; Align-GVGD: "Class C0". The histidine amino acid residue is found in multiple mammalian species, which suggests that this missense change does not adversely affect protein function. In summary, the available evidence is currently insufficient to determine the role of this variant in disease. Therefore, it has been classified as a Variant of Uncertain Significance. This variant is present in population databases (no rsID available, gnomAD 0.06%). This variant has not been reported in the literature in individuals affected with TTC37-related conditions. This sequence change replaces tyrosine, which is neutral and polar, with histidine, which is basic and polar, at codon 416 of the TTC37 protein (p.Tyr416His).

NM_014639.4(SKIC3):c.1246T>C (p.Tyr416His)

Gene: SKIC3 (SKI3 subunit of superkiller complex; minus strand). Cytogenetic location: 5q15.
Variant type: single nucleotide variant.
Coding change: c.1246T>C on transcript NM_014639.4 (MANE Select); coding-DNA position 1246, T replaced by C.
Protein change: p.Tyr416His; replaces tyrosine 416 with histidine.
Molecular consequence: missense variant.
Genome position (GRCh38, 1-based): chr5:95,525,477, A>G on the plus strand (T>C on the coding strand, the complement: SKIC3 is on the minus strand). VCF-style: chr5-95525477-A-G. GRCh37 (hg19) VCF-style: chr5-94861181-A-G.
Other names: short protein forms Y416H.
Identifiers: ClinVar variation 2110123 (VCV002110123.4), dbSNP rs537959772, ClinGen allele CA360464731.